The following is an entry in ClinVar:

NM_032040.5(CCDC8):c.694G>A (p.Glu232Lys)

Gene: CCDC8 (coiled-coil domain containing 8 subunit of 3M complex; minus strand). Cytogenetic location: 19q13.32.
Variant type: single nucleotide variant.
Coding change: c.694G>A on transcript NM_032040.5 (MANE Select); coding-DNA position 694, G replaced by A.
Protein change: p.Glu232Lys; replaces glutamic acid 232 with lysine.
Molecular consequence: missense variant.
Genome position (GRCh38, 1-based): chr19:46,412,117, C>T on the plus strand (G>A on the coding strand, the complement: CCDC8 is on the minus strand). VCF-style: chr19-46412117-C-T. GRCh37 (hg19) VCF-style: chr19-46915374-C-T.
Other names: c.694G>A (NM_032040.3); short protein forms E232K.
Identifiers: ClinVar variation 2053666 (VCV002053666.5), dbSNP rs150947235, ClinGen allele CA9528664.

ClinVar aggregate classification (germline): Uncertain significance. Review status: criteria provided, multiple submitters, no conflicts (2 of 4 stars). 2 submissions from 2 submitters: Uncertain significance (2). Last evaluated 2024-08-11.

Conditions:
Inborn genetic diseases. Identifiers: MedGen C0950123, MeSH D030342.

Allele frequency attached by ClinVar (database versions not stated): gnomAD 0.00002; ESP Exome Variant Server 0.00008; gnomAD exomes 0.00002; TOPMed 0.00002; ExAC 0.00004.

Submissions (2):

Ambry Genetics
Classification: Uncertain significance for Inborn genetic diseases. Last evaluated: 2024-08-11. Review status: criteria provided, single submitter. Criteria: Ambry Variant Classification Scheme 2023. Collection method: clinical testing. Allele origin: germline.

Labcorp Genetics (formerly Invitae), Labcorp
Classification: Uncertain significance. Last evaluated: 2022-07-28. Review status: criteria provided, single submitter. Criteria: Invitae Variant Classification Sherloc (09022015). Collection method: clinical testing. Allele origin: germline.
Comment: This variant is present in population databases (rs150947235, gnomAD 0.006%). In summary, the available evidence is currently insufficient to determine the role of this variant in disease. Therefore, it has been classified as a Variant of Uncertain Significance. Algorithms developed to predict the effect of missense changes on protein structure and function are either unavailable or do not agree on the potential impact of this missense change (SIFT: "Deleterious"; PolyPhen-2: "Benign"; Align-GVGD: "Class C0"). This variant has not been reported in the literature in individuals affected with CCDC8-related conditions. This sequence change replaces glutamic acid, which is acidic and polar, with lysine, which is basic and polar, at codon 232 of the CCDC8 protein (p.Glu232Lys).